The following is an entry in ClinVar:

NM_000059.4(BRCA2):c.5577_5580del (p.Lys1860_Lys1861insTer)

Gene: BRCA2 (BRCA2 DNA repair associated; plus strand). Cytogenetic location: 13q13.1.
Variant type: Deletion.
Coding change: c.5577_5580del on transcript NM_000059.4 (MANE Select); coding-DNA positions 5577 to 5580, 4 bases deleted (TAAA; older notation c.5577_5580delTAAA).
Protein change: p.Lys1860_Lys1861insTer.
Molecular consequence: frameshift variant.
Genome position (GRCh38, 1-based): chr13:32,339,932-32,339,935, TAAA deleted. VCF-style (leftmost placement, unchanged base first): chr13-32339931-TTAAA-T. GRCh37 (hg19) VCF-style: chr13-32914068-TTAAA-T.
Other names: 5805del4; c.5577_5580delTAAA (NM_000059.3).
Identifiers: ClinVar variation 51882 (VCV000051882.5), dbSNP rs80359522, ClinGen allele CA022608.
Genomic context (GRCh38, chr13:32,339,931, plus strand): 5'-TAGGGCCACCTGCATTTAGGATAGCCAGTGGTAAAATCGTTTGTGTTTCACATGAAACAA[TTAAA>T]AAAGTGAAAGACATATTTACAGACAGTTTCAGTAAAGTAATTAAGGAAAACAACGAGAAT-3'

ClinVar aggregate classification (germline): Pathogenic. Review status: reviewed by expert panel (3 of 4 stars). 3 submissions from 3 submitters: Pathogenic (1). 2 of the submissions do not count toward it. Last evaluated 2016-09-08.

Conditions:
Breast-ovarian cancer, familial, susceptibility to, 2 (BROVCA2). Also called: BRCA2 Hereditary Breast and Ovarian Cancer. Identifiers: Orphanet 145, MedGen C2675520, MONDO:0012933, OMIM 612555. Disease mechanism: loss of function.

Submissions (3):

Evidence-based Network for the Interpretation of Germline Mutant Alleles (ENIGMA)
Classification: Pathogenic for Breast-ovarian cancer, familial, susceptibility to, 2. Last evaluated: 2016-09-08. Review status: reviewed by expert panel. Criteria: ENIGMA BRCA1/2 Classification Criteria (2015). Collection method: curation. Allele origin: germline.
Comment: Variant allele predicted to encode a truncated non-functional protein.

Consortium of Investigators of Modifiers of BRCA1/2 (CIMBA), c/o University of Cambridge
Classification: Pathogenic for Breast-ovarian cancer, familial, susceptibility to, 2. Last evaluated: 2015-10-02. Review status: criteria provided, single submitter. Criteria: CIMBA Mutation Classification guidelines May 2016. Collection method: clinical testing. Allele origin: germline. Not counted in ClinVar's aggregate classification.

Breast Cancer Information Core (BIC) (BRCA2)
Classification: Pathogenic for Breast-ovarian cancer, familial 2. Review status: no assertion criteria provided. Collection method: clinical testing. Allele origin: germline. Affected: yes. Observed: 1 variant allele. Not counted in ClinVar's aggregate classification.